The following is an entry in ClinVar:

NM_006821.6(ACOT2):c.554C>T (p.Thr185Met)

Genes: ACOT2 (acyl-CoA thioesterase 2; plus strand), HEATR4 (HEAT repeat containing 4; minus strand). Cytogenetic location: 14q24.3.
Variant type: single nucleotide variant.
Coding change: c.554C>T on transcript NM_006821.6 (MANE Select); coding-DNA position 554, C replaced by T.
Protein change: p.Thr185Met; replaces threonine 185 with methionine.
Molecular consequence: missense variant. On other transcripts: intron variant (1).
Genome position (GRCh38, 1-based): chr14:73,569,794, C>T. VCF-style: chr14-73569794-C-T. GRCh37 (hg19) VCF-style: chr14-74036498-C-T.
Other names: c.554C>T, p.Thr185Met (NM_001364178.1); c.52+398C>T (NM_001364177.1); short protein forms T185M.
Identifiers: ClinVar variation 4084000 (VCV004084000.8).
Genomic context (GRCh38, chr14:73,569,794, plus strand): 5'-CCGTGGAGCTGGAGGTGCTGGATGGCCACGACCCCGACCCCGGGCGGCTGCTGTGCCAGA[C>T]GCGGCACGAGCGCTACTTCCTCCCGCCCGGGGTGCGGCGCGAGCCGGTGCGCGTGGGCCG-3'
Protein context (NP_006812.3, residues 175-195): DPDPGRLLCQ[Thr185Met]RHERYFLPPG

ClinVar aggregate classification (germline): Likely benign (1 of 4 stars; one submission).

gnomAD v4.1: 12,642 of 1,569,906 alleles (0.81%); highest among the groups gnomAD compares: South Asian, 0.88%; 653 homozygotes.

Submission:

CeGaT Center for Human Genetics Tuebingen
Classification: Likely benign. Last evaluated: 2025-06-01. Review status: criteria provided, single submitter. Criteria: CeGaT Center For Human Genetics Tuebingen Variant Classification Criteria Version 2. Collection method: clinical testing. Allele origin: germline. Affected: yes. Observed: 1 variant allele.
Comment: ACOT2: BS2